The following is an entry in ClinVar:

NM_020975.6(RET):c.2453A>G (p.Glu818Gly)

Gene: RET (ret proto-oncogene; plus strand). Cytogenetic location: 10q11.21.
Variant type: single nucleotide variant.
Coding change: c.2453A>G on transcript NM_020975.6 (MANE Select); coding-DNA position 2453, A replaced by G.
Protein change: p.Glu818Gly; replaces glutamic acid 818 with glycine.
Molecular consequence: missense variant.
Genome position (GRCh38, 1-based): chr10:43,119,591, A>G. VCF-style: chr10-43119591-A-G. GRCh37 (hg19) VCF-style: chr10-43615039-A-G.
Other names: c.2453A>G, p.Glu818Gly (NM_000323.2, NM_001406743.1, NM_001406744.1 and 4 more transcripts); c.1691A>G, p.Glu564Gly (NM_001355216.2); c.2324A>G, p.Glu775Gly (NM_001406761.1, NM_001406762.1, NM_001406764.1); c.2318A>G, p.Glu773Gly (NM_001406763.1, NM_001406765.1); c.2165A>G, p.Glu722Gly (NM_001406766.1, NM_001406767.1, NM_001406770.1); c.2189A>G, p.Glu730Gly (NM_001406768.1); c.2057A>G, p.Glu686Gly (NM_001406769.1, NM_001406772.1); c.2015A>G, p.Glu672Gly (NM_001406771.1, NM_001406773.1); and 10 more; short protein forms E335G, E383G, E423G, E474G, E476G, E479G, E488G, E519G.
Identifiers: ClinVar variation 3227529 (VCV003227529.5), dbSNP rs2538563001, ClinGen allele CA376556222.

ClinVar aggregate classification (germline): Uncertain significance. Review status: criteria provided, multiple submitters, no conflicts (2 of 4 stars). 3 submissions from 3 submitters: Uncertain significance (3). Last evaluated 2024-11-07.

Conditions:
Hereditary cancer-predisposing syndrome. Also called: Neoplastic Syndromes, Hereditary; Tumor predisposition; Hereditary neoplastic syndrome; Hereditary Cancer Syndrome. Identifiers: Orphanet 140162, MedGen C0027672, MeSH D009386, MONDO:0015356.
Multiple endocrine neoplasia, type 2 (MEN2). Identifiers: Orphanet 653, MedGen C4048306, MONDO:0019003. Disease mechanism: gain of function.
Hirschsprung disease, susceptibility to, 1 (HSCR1). Also called: RET-Related Hirschsprung Disease. Identifiers: Orphanet 388, MedGen C3888239, MONDO:0007723, OMIM 142623.

Submissions (3):

Ambry Genetics
Classification: Uncertain significance for Hereditary cancer-predisposing syndrome. Last evaluated: 2024-11-07. Review status: criteria provided, single submitter. Criteria: Ambry Variant Classification Scheme 2023. Collection method: clinical testing. Allele origin: germline.
Comment: The p.E818G variant (also known as c.2453A>G), located in coding exon 14 of the RET gene, results from an A to G substitution at nucleotide position 2453. The glutamic acid at codon 818 is replaced by glycine, an amino acid with similar properties. This amino acid position is conserved. In addition, this alteration is predicted to be tolerated by in silico analysis. Since supporting evidence is limited at this time, the clinical significance of this alteration remains unclear.

Labcorp Genetics (formerly Invitae), Labcorp
Classification: Uncertain significance for Multiple endocrine neoplasia, type 2. Last evaluated: 2024-05-01. Review status: criteria provided, single submitter. Criteria: Invitae Variant Classification Sherloc (09022015). Collection method: clinical testing. Allele origin: germline.
Comment: This sequence change replaces glutamic acid, which is acidic and polar, with glycine, which is neutral and non-polar, at codon 818 of the RET protein (p.Glu818Gly). This variant is not present in population databases (gnomAD no frequency). This variant has not been reported in the literature in individuals affected with RET-related conditions. An algorithm developed to predict the effect of missense changes on protein structure and function (PolyPhen-2) suggests that this variant is likely to be tolerated. In summary, the available evidence is currently insufficient to determine the role of this variant in disease. Therefore, it has been classified as a Variant of Uncertain Significance.

Baylor Genetics
Classification: Uncertain significance for Hirschsprung disease, susceptibility to, 1. Last evaluated: 2024-02-06. Review status: criteria provided, single submitter. Criteria: ACMG Guidelines, 2015. Collection method: clinical testing. Allele origin: unknown.